The following is an entry in ClinVar:

ClinVar aggregate classification (germline): Conflicting classifications of pathogenicity. Review status: criteria provided, conflicting classifications (1 of 4 stars). 6 submissions from 6 submitters: Uncertain significance (4); Likely benign (2). Last evaluated 2025-12-03.

Conditions:
Ullrich congenital muscular dystrophy 2 (UCMD2). Identifiers: Orphanet 75840, MedGen C4225314, MONDO:0014654, OMIM 616470.
Bethlem myopathy 2 (BTHLM2). Identifiers: Orphanet 536516, Orphanet 610, MedGen C4225313, MONDO:0034022, OMIM 616471.
Inborn genetic diseases. Identifiers: MedGen C0950123, MeSH D030342.

Allele frequency attached by ClinVar (database versions not stated): gnomAD 0.00007 and 0.00009; TOPMed 0.00007; 1000 Genomes Project 30x 0.00031; 1000 Genomes Project 0.00040.
gnomAD v4.1: 88 of 1,614,016 alleles (0.0055%); highest among the groups gnomAD compares: Admixed American, 0.025%; no homozygotes.

Submissions (6):

Labcorp Genetics (formerly Invitae), Labcorp
Classification: Likely benign for Bethlem myopathy 2; Ullrich congenital muscular dystrophy 2. Last evaluated: 2025-12-03. Review status: criteria provided, single submitter. Criteria: Invitae Variant Classification Sherloc (09022015). Collection method: clinical testing. Allele origin: germline.

CeGaT Center for Human Genetics Tuebingen
Classification: Uncertain significance. Last evaluated: 2025-08-01. Review status: criteria provided, single submitter. Criteria: CeGaT Center For Human Genetics Tuebingen Variant Classification Criteria Version 2. Collection method: clinical testing. Allele origin: germline. Affected: yes. Observed: 2 variant alleles.
Comment: COL12A1: PM2, PP3

Women's Health and Genetics/Laboratory Corporation of America, LabCorp
Classification: Likely benign. Last evaluated: 2025-02-18. Review status: criteria provided, single submitter. Criteria: LabCorp Variant Classification Summary - May 2015. Collection method: clinical testing. Allele origin: germline.
Comment: Variant summary: COL12A1 c.8420G>A (p.Arg2807His) results in a non-conservative amino acid change in the encoded protein sequence. Four of five in-silico tools predict a damaging effect of the variant on protein function. The variant allele was found at a frequency of 0.00011 in 249284 control chromosomes (gnomAD). The observed variant frequency is approximately 108 fold of the estimated maximal expected allele frequency for a pathogenic variant in COL12A1 causing Bethlem myopathy 2 phenotype (1e-06). To our knowledge, no occurrence of c.8420G>A in individuals affected with Bethlem myopathy 2 and no experimental evidence demonstrating its impact on protein function have been reported. ClinVar contains an entry for this variant (Variation ID: 542511). Based on the evidence outlined above, the variant was classified as likely benign.

Ambry Genetics
Classification: Uncertain significance for Inborn genetic diseases. Last evaluated: 2024-02-15. Review status: criteria provided, single submitter. Criteria: Ambry Variant Classification Scheme 2023. Collection method: clinical testing. Allele origin: germline.

GeneDx
Classification: Uncertain significance. Last evaluated: 2023-11-29. Review status: criteria provided, single submitter. Criteria: GeneDx Variant Classification Process June 2021. Collection method: clinical testing. Allele origin: germline. Affected: yes.
Comment: Has not been previously published as pathogenic or benign to our knowledge; In silico analysis supports that this missense variant does not alter protein structure/function

Revvity Omics, Revvity
Classification: Uncertain significance. Last evaluated: 2019-09-12. Review status: criteria provided, single submitter. Criteria: ACMG Guidelines, 2015. Collection method: clinical testing. Allele origin: germline.

NM_004370.6(COL12A1):c.8420G>A (p.Arg2807His)

Gene: COL12A1 (collagen type XII alpha 1 chain; minus strand). Cytogenetic location: 6q13.
Variant type: single nucleotide variant.
Coding change: c.8420G>A on transcript NM_004370.6 (MANE Select); coding-DNA position 8420, G replaced by A.
Protein change: p.Arg2807His; replaces arginine 2807 with histidine.
Molecular consequence: missense variant.
Genome position (GRCh38, 1-based): chr6:75,102,048, C>T on the plus strand (G>A on the coding strand, the complement: COL12A1 is on the minus strand). VCF-style: chr6-75102048-C-T. GRCh37 (hg19) VCF-style: chr6-75811764-C-T.
Other names: c.4928G>A, p.Arg1643His (NM_080645.3); short protein forms R2807H, R1643H.
Identifiers: ClinVar variation 542511 (VCV000542511.34), dbSNP rs186328815, ClinGen allele CA3892269.